The following is an entry in ClinVar:

ClinVar aggregate classification (germline): Uncertain significance (1 of 4 stars; one submission).

Conditions:
NOTCH1-related disorder. Also called: NOTCH1-related disorders; NOTCH1-related condition.

Submission:

PreventionGenetics, part of Exact Sciences
Classification: Uncertain significance for NOTCH1-related condition. Last evaluated: 2026-03-15. Review status: criteria provided, single submitter. Criteria: ACMG Guidelines, 2015. Collection method: clinical testing. Allele origin: germline.
Comment: The NOTCH1 c.656A>G variant is predicted to result in the amino acid substitution p.Tyr219Cys. To our knowledge, this variant has not been reported in the literature or in a large population database (gnomAD), indicating this variant is rare. At this time, the clinical significance of this variant is uncertain due to the absence of conclusive functional and genetic evidence.

NM_017617.5(NOTCH1):c.656A>G (p.Tyr219Cys)

Gene: NOTCH1 (notch receptor 1; minus strand). Cytogenetic location: 9q34.3.
Variant type: single nucleotide variant.
Coding change: c.656A>G on transcript NM_017617.5 (MANE Select); coding-DNA position 656, A replaced by G.
Protein change: p.Tyr219Cys; replaces tyrosine 219 with cysteine.
Molecular consequence: missense variant.
Genome position (GRCh38, 1-based): chr9:136,522,936, T>C on the plus strand (A>G on the coding strand, the complement: NOTCH1 is on the minus strand). VCF-style: chr9-136522936-T-C. GRCh37 (hg19) VCF-style: chr9-139417388-T-C.
Other names: short protein forms Y219C.
Identifiers: ClinVar variation 4996126 (VCV004996126.1).